The following is an entry in ClinVar:

ClinVar aggregate classification (germline): Uncertain significance. Review status: criteria provided, multiple submitters, no conflicts (2 of 4 stars). 3 submissions from 3 submitters: Uncertain significance (3). Last evaluated 2024-09-26.

Conditions:
Dilated cardiomyopathy 1II (CMD1II). Identifiers: Orphanet 154, MedGen C3554649, MONDO:0014073, OMIM 615184.
Cardiovascular phenotype. Identifiers: MedGen CN230736.

Allele frequency attached by ClinVar (database versions not stated): TOPMed below 0.00001; gnomAD 0.00001; gnomAD exomes 0.00001.
gnomAD v4.1: 9 of 1,614,094 alleles (0.00056%); highest among the groups gnomAD compares: Non-Finnish European, 0.00076%; no homozygotes.

Submissions (3):

Labcorp Genetics (formerly Invitae), Labcorp
Classification: Uncertain significance for Dilated cardiomyopathy 1II. Last evaluated: 2024-09-26. Review status: criteria provided, single submitter. Criteria: Invitae Variant Classification Sherloc (09022015). Collection method: clinical testing. Allele origin: germline.
Comment: This sequence change replaces glutamine, which is neutral and polar, with histidine, which is basic and polar, at codon 108 of the CRYAB protein (p.Gln108His). This variant also falls at the last nucleotide of exon 3, which is part of the consensus splice site for this exon. This variant is not present in population databases (gnomAD no frequency). This variant has not been reported in the literature in individuals affected with CRYAB-related conditions. ClinVar contains an entry for this variant (Variation ID: 264247). An algorithm developed to predict the effect of missense changes on protein structure and function (PolyPhen-2) suggests that this variant is likely to be disruptive. Variants that disrupt the consensus splice site are a relatively common cause of aberrant splicing (PMID: 17576681, 9536098). In summary, the available evidence is currently insufficient to determine the role of this variant in disease. Therefore, it has been classified as a Variant of Uncertain Significance.

GeneDx
Classification: Uncertain significance. Last evaluated: 2024-01-23. Review status: criteria provided, single submitter. Criteria: GeneDx Variant Classification Process June 2021. Collection method: clinical testing. Allele origin: germline. Affected: yes.
Comment: Not observed at significant frequency in large population cohorts (gnomAD); In silico analysis supports that this missense variant has a deleterious effect on protein structure/function; Has not been previously published as pathogenic or benign to our knowledge

Ambry Genetics
Classification: Uncertain significance for Cardiovascular phenotype. Last evaluated: 2020-04-23. Review status: criteria provided, single submitter. Criteria: Ambry Variant Classification Scheme 2023. Collection method: clinical testing. Allele origin: germline.
Comment: The p.Q108H variant (also known as c.324G>C), located in coding exon 2 of the CRYAB gene, results from a G to C substitution at nucleotide position 324. This change occurs in the last base pair of coding exon 2, which makes it likely to have some effect on normal mRNA splicing. In addition to potential splicing impact, this alteration changes the glutamine at codon 108 to histidine, an amino acid with highly similar properties. Both the nucleotide and amino acid positions are highly conserved in available vertebrate species. Using the BDGP and ESEfinder splice site prediction tools, this alteration is predicted to weaken the efficiency of the native splice donor site; however, direct experimental evidence is unavailable. In addition, the in silico prediction for this alteration is inconclusive. Since supporting evidence is limited at this time, the clinical significance of this alteration remains unclear.

Literature cited by the submitters: PubMed 17576681 (cited by Labcorp Genetics (formerly Invitae), Labcorp); PubMed 9536098 (cited by Labcorp Genetics (formerly Invitae), Labcorp).

NM_001289808.2(CRYAB):c.324G>C (p.Gln108His)

Gene: CRYAB (crystallin alpha B; minus strand). Cytogenetic location: 11q23.1.
Variant type: single nucleotide variant.
Coding change: c.324G>C on transcript NM_001289808.2 (MANE Select); coding-DNA position 324, G replaced by C.
Protein change: p.Gln108His; replaces glutamine 108 with histidine.
Molecular consequence: missense variant.
Genome position (GRCh38, 1-based): chr11:111,910,327, C>G on the plus strand (G>C on the coding strand, the complement: CRYAB is on the minus strand). VCF-style: chr11-111910327-C-G. GRCh37 (hg19) VCF-style: chr11-111781051-C-G.
Other names: c.324G>C, p.Gln108His (NM_001289807.1, NM_001368245.1, NM_001885.3); c.123G>C, p.Gln41His (NM_001330379.1, NM_001368246.1); short protein forms Q108H, Q41H.
Identifiers: ClinVar variation 264247 (VCV000264247.13), dbSNP rs886039099, ClinGen allele CA10587716.
Genomic context (GRCh38, chr11:111,910,327, plus strand): 5'-CTGGACTATTACAGTATGCACTGAATGAATGAGCAGAAAACAAAAAAACAAGCTACATAC[C>G]TGGCGCTCTTCATGTTTTCCATGCACCTCAATCACATCTCCCAACACCTTAACTTTGAGT-3'
Protein context (NP_001276737.1, residues 98-118): IEVHGKHEER[Gln108His]DEHGFISREF